The following is an entry in ClinVar:

NM_001244008.2(KIF1A):c.2372G>A (p.Arg791His)

Gene: KIF1A (kinesin family member 1A; minus strand). Cytogenetic location: 2q37.3.
Variant type: single nucleotide variant.
Coding change: c.2372G>A on transcript NM_001244008.2 (MANE Select); coding-DNA position 2372, G replaced by A.
Protein change: p.Arg791His; replaces arginine 791 with histidine.
Molecular consequence: missense variant.
Genome position (GRCh38, 1-based): chr2:240,760,737, C>T on the plus strand (G>A on the coding strand, the complement: KIF1A is on the minus strand). VCF-style: chr2-240760737-C-T. GRCh37 (hg19) VCF-style: chr2-241700154-C-T.
Other names: c.2372G>A, p.Arg791His (NM_001320705.2, NM_001330289.2, NM_001379638.1); c.2447G>A, p.Arg816His (NM_001330290.2, NM_001379631.1, NM_001379634.1 and 2 more transcripts); c.2345G>A, p.Arg782His (NM_001379632.1, NM_001379633.1, NM_001379636.1 and 11 more transcripts); c.2420G>A, p.Arg807His (NM_001379637.1, NM_001379648.1); short protein forms R807H, R782H, R791H, R816H.
Identifiers: ClinVar variation 1973550 (VCV001973550.5), dbSNP rs762437058, ClinGen allele CA351324770.

ClinVar aggregate classification (germline): Uncertain significance (1 of 4 stars; one submission).

Conditions:
Hereditary spastic paraplegia 30. Identifiers: Orphanet 101010, MedGen C5235139, MONDO:0012476.
Neuropathy, hereditary sensory, type 2C. Also called: Hereditary sensory and autonomic neuropathy type IIC; KIF1A-Related HSAN2 (HSAN2C). Identifiers: Orphanet 970, MedGen C3280168, MONDO:0013634, OMIM 614213.
Intellectual disability, autosomal dominant 9 (NESCAVS). Also called: NESCAV SYNDROME; KIF1A-Related Neurodevelopmental Disorder. Identifiers: Orphanet 662367, MedGen C5393830, MONDO:0013656, OMIM 614255.

gnomAD v4.1: 4 of 1,595,942 alleles (0.00025%); highest among the groups gnomAD compares: South Asian, 0.0011%; no homozygotes.

Submission:

Labcorp Genetics (formerly Invitae), Labcorp
Classification: Uncertain significance for Hereditary spastic paraplegia 30; Neuropathy, hereditary sensory, type 2C; Intellectual disability, autosomal dominant 9. Last evaluated: 2024-02-03. Review status: criteria provided, single submitter. Criteria: Invitae Variant Classification Sherloc (09022015). Collection method: clinical testing. Allele origin: germline.
Comment: This sequence change replaces arginine, which is basic and polar, with histidine, which is basic and polar, at codon 782 of the KIF1A protein (p.Arg782His). The frequency data for this variant in the population databases is considered unreliable, as metrics indicate poor data quality at this position in the gnomAD database. This variant has not been reported in the literature in individuals affected with KIF1A-related conditions. ClinVar contains an entry for this variant (Variation ID: 1973550). Advanced modeling of protein sequence and biophysical properties (such as structural, functional, and spatial information, amino acid conservation, physicochemical variation, residue mobility, and thermodynamic stability) has been performed at Invitae for this missense variant, however the output from this modeling did not meet the statistical confidence thresholds required to predict the impact of this variant on KIF1A protein function. In summary, the available evidence is currently insufficient to determine the role of this variant in disease. Therefore, it has been classified as a Variant of Uncertain Significance.